The following is an entry in ClinVar:

NM_000263.4(NAGLU):c.384-32_384-20dup

Gene: NAGLU (N-acetyl-alpha-glucosaminidase; plus strand). Cytogenetic location: 17q21.2.
Variant type: Duplication.
Coding change: c.384-32_384-20dup on transcript NM_000263.4 (MANE Select); 32 bases into the intron before coding-DNA position 384 through 20 bases into the intron before coding-DNA position 384, 13 bases duplicated (GGATGCGCCCCTG).
Molecular consequence: intron variant.
Genome position (GRCh38, 1-based): chr17:42,537,366-42,537,378, GGATGCGCCCCTG duplicated; duplicating any 13 consecutive bases within chr17:42,537,364-42,537,378 gives the same sequence; the c. name uses the placement nearest the transcript's 3' end. VCF-style (leftmost placement, unchanged base first): chr17-42537363-G-GTGGGATGCGCCCC. GRCh37 (hg19) VCF-style: chr17-40689381-G-GTGGGATGCGCCCC.
Other names: c.384-32_384-20dup13 (NM_000263.4).
Identifiers: ClinVar variation 2445816 (VCV002445816.3), dbSNP rs767368885, ClinGen allele CA8576741.

ClinVar aggregate classification (germline): Benign (1 of 4 stars; one submission).

Submission:

Women's Health and Genetics/Laboratory Corporation of America, LabCorp
Classification: Benign. Last evaluated: 2025-05-09. Review status: criteria provided, single submitter. Criteria: LabCorp Variant Classification Summary - May 2015. Collection method: clinical testing. Allele origin: germline.
Comment: Variant summary: NAGLU c.384-32_384-20dup13 is located at a position not widely known to affect splicing. Consensus agreement among computation tools predicts no significant impact on normal splicing. However, these predictions have yet to be confirmed by functional studies. The variant allele was found at a frequency of 9.5e-05 in 1606672 control chromosomes, predominantly at a frequency of 0.0039 within the Ashkenazi Jewish subpopulation in the gnomAD database, including 1 homozygote. The observed variant frequency within Ashkenazi Jewish control individuals in the gnomAD database is approximately 1.5-fold of the estimated maximal expected allele frequency for a pathogenic variant in NAGLU causing Mucopolysaccharidosis Type IIIB (Sanfilippo Syndrome B) phenotype (0.0025). To our knowledge, no occurrence of c.384-32_384-20dup13 in individuals affected with Mucopolysaccharidosis Type IIIB (Sanfilippo Syndrome B) and no experimental evidence demonstrating its impact on protein function have been reported. ClinVar contains an entry for this variant (Variation ID: 2445816). Based on the evidence outlined above, the variant was classified as benign.